The following is an entry in ClinVar:

NM_007294.4(BRCA1):c.1406C>G (p.Ala469Gly)

Gene: BRCA1 (BRCA1 DNA repair associated; minus strand). Cytogenetic location: 17q21.31.
Variant type: single nucleotide variant.
Coding change: c.1406C>G on transcript NM_007294.4 (MANE Select); coding-DNA position 1406, C replaced by G.
Protein change: p.Ala469Gly; replaces alanine 469 with glycine.
Molecular consequence: missense variant. On other transcripts: intron variant (137).
Genome position (GRCh38, 1-based): chr17:43,094,125, G>C on the plus strand (C>G on the coding strand, the complement: BRCA1 is on the minus strand). VCF-style: chr17-43094125-G-C. GRCh37 (hg19) VCF-style: chr17-41246142-G-C.
Other names: c.1265C>G, p.Ala422Gly (NM_001407733.1, NM_001407734.1, NM_001407735.1 and 29 more transcripts); c.1262C>G, p.Ala421Gly (NM_001407740.1, NM_001407741.1, NM_001407742.1 and 20 more transcripts); c.1193C>G, p.Ala398Gly (NM_001407853.1, NM_001407894.1, NM_001407895.1 and 9 more transcripts); c.1406C>G, p.Ala469Gly (NM_001407854.1, NM_001407858.1, NM_001407859.1 and 30 more transcripts); c.1403C>G, p.Ala468Gly (NM_001407860.1, NM_001407861.1, NM_001407587.1 and 22 more transcripts); c.1205C>G, p.Ala402Gly (NM_001407862.1); c.1283C>G, p.Ala428Gly (NM_001407863.1, NM_001407919.1, NM_001407937.1 and 19 more transcripts); c.1202C>G, p.Ala401Gly (NM_001407874.1, NM_001407875.1); and 40 more; short protein forms A469G, A422G, A341G, A402G, A466G, A173G, A301G, A358G.
Identifiers: ClinVar variation 54245 (VCV000054245.17), dbSNP rs80357073, ClinGen allele CA000950.

ClinVar aggregate classification (germline): Conflicting classifications of pathogenicity. Review status: criteria provided, conflicting classifications (1 of 4 stars). 5 submissions from 5 submitters: Uncertain significance (3); Likely benign (1). 1 of the submissions does not count toward it. Last evaluated 2024-08-05.

Conditions:
Hereditary cancer-predisposing syndrome. Also called: Tumor predisposition; Neoplastic Syndromes, Hereditary; Hereditary Cancer Syndrome; Hereditary neoplastic syndrome. Identifiers: Orphanet 140162, MedGen C0027672, MeSH D009386, MONDO:0015356.
Hereditary breast ovarian cancer syndrome. Also called: Hereditary breast and ovarian cancer syndrome (HBOC); Hereditary breast and ovarian cancer syndrome; Hereditary breast and ovarian cancer; Hereditary breast and/or ovarian cancer syndrome; Breast and ovarian cancer; BRCA1- and BRCA2-Associated Hereditary Breast and Ovarian Cancer. Identifiers: Orphanet 145, MedGen C0677776, MeSH D061325, MONDO:0003582. Disease mechanism: loss of function.
Breast-ovarian cancer, familial, susceptibility to, 1 (BROVCA1). Also called: OVARIAN CANCER, SUSCEPTIBILITY TO; BRCA1 Hereditary Breast and Ovarian Cancer. Identifiers: Orphanet 145, MedGen C2676676, MONDO:0011450, OMIM 604370. Disease mechanism: loss of function.

Submissions (5):

Women's Health and Genetics/Laboratory Corporation of America, LabCorp
Classification: Uncertain significance. Last evaluated: 2024-08-05. Review status: criteria provided, single submitter. Criteria: LabCorp Variant Classification Summary - May 2015. Collection method: clinical testing. Allele origin: germline.
Comment: Variant summary: BRCA1 c.1406C>G (p.Ala469Gly) results in a non-conservative amino acid change located in the BRCA1, serine-rich domain (IPR025994) of the encoded protein sequence. Four of five in-silico tools predict a benign effect of the variant on protein function. The variant was absent in 251154 control chromosomes. The available data on variant occurrences in the general population are insufficient to allow any conclusion about variant significance. To our knowledge, no occurrence of c.1406C>G in individuals affected with Hereditary Breast And Ovarian Cancer Syndrome and no experimental evidence demonstrating its impact on protein function have been reported. ClinVar contains an entry for this variant (Variation ID: 54245). Based on the evidence outlined above, the variant was classified as uncertain significance.

University of Washington Department of Laboratory Medicine, University of Washington
Classification: Likely benign for Hereditary cancer-predisposing syndrome. Last evaluated: 2023-03-23. Review status: criteria provided, single submitter. Criteria: Dines et al. (Genet Med. 2020). Collection method: curation. Allele origin: germline.
Comment: Missense variant in a coldspot region where missense variants are very unlikely to be pathogenic (PMID:31911673).

BRCA1 coldspot (exon 11 using historical exon numbering). Reclassification based on statistical prior probability

Ambry Genetics
Classification: Uncertain significance for Hereditary cancer-predisposing syndrome. Last evaluated: 2020-06-19. Review status: criteria provided, single submitter. Criteria: Ambry Variant Classification Scheme 2023. Collection method: clinical testing. Allele origin: germline.
Comment: The p.A469G variant (also known as c.1406C>G), located in coding exon 9 of the BRCA1 gene, results from a C to G substitution at nucleotide position 1406. The alanine at codon 469 is replaced by glycine, an amino acid with similar properties. This amino acid position is not well conserved in available vertebrate species. In addition, the in silico prediction for this alteration is inconclusive. Since supporting evidence is limited at this time, the clinical significance of this alteration remains unclear.

Labcorp Genetics (formerly Invitae), Labcorp
Classification: Uncertain significance for Hereditary breast ovarian cancer syndrome. Last evaluated: 2019-12-27. Review status: criteria provided, single submitter. Criteria: Invitae Variant Classification Sherloc (09022015). Collection method: clinical testing. Allele origin: germline.
Comment: In summary, the available evidence is currently insufficient to determine the role of this variant in disease. Therefore, it has been classified as a Variant of Uncertain Significance. Algorithms developed to predict the effect of missense changes on protein structure and function output the following: SIFT: "Tolerated"; PolyPhen-2: "Benign"; Align-GVGD: "Class C0". The glycine amino acid residue is found in multiple mammalian species, suggesting that this missense change does not adversely affect protein function. These predictions have not been confirmed by published functional studies and their clinical significance is uncertain. This variant has been reported in individuals in the Breast Cancer Information Core database (PMID: 10923033). ClinVar contains an entry for this variant (Variation ID: 54245). This variant is not present in population databases (ExAC no frequency). This sequence change replaces alanine with glycine at codon 469 of the BRCA1 protein (p.Ala469Gly). The alanine residue is weakly conserved and there is a small physicochemical difference between alanine and glycine.

Breast Cancer Information Core (BIC) (BRCA1)
Classification: Uncertain significance for Breast-ovarian cancer, familial 1. Last evaluated: 2003-12-23. Review status: no assertion criteria provided. Collection method: clinical testing. Allele origin: germline. Affected: yes. Observed: 1 variant allele. Not counted in ClinVar's aggregate classification.

Literature cited by the submitters: PubMed 10923033 (cited by Labcorp Genetics (formerly Invitae), Labcorp).